The following is an entry in ClinVar:

ClinVar aggregate classification (germline): Uncertain significance. Review status: criteria provided, multiple submitters, no conflicts (2 of 4 stars). 2 submissions from 2 submitters: Uncertain significance (2). Last evaluated 2025-01-29.

Conditions:
Hypertrophic cardiomyopathy 26. Also called: Cardiomyopathy, familial hypertrophic, 26. Identifiers: Orphanet 75249, MedGen C4310749, MONDO:0014883, OMIM 617047.
Distal myopathy with posterior leg and anterior hand involvement. Also called: WILLIAMS DISTAL MYOPATHY. Identifiers: Orphanet 63273, MedGen C3279722, MONDO:0013550, OMIM 614065.
Myofibrillar myopathy 5. Also called: Filaminopathy (type); FILAMINOPATHY, AUTOSOMAL DOMINANT. Identifiers: Orphanet 171445, MedGen C1836050, MONDO:0012289, OMIM 609524.
Cardiovascular phenotype. Identifiers: MedGen CN230736.

Allele frequency attached by ClinVar (database versions not stated): ExAC 0.00001; gnomAD exomes 0.00001; TOPMed 0.00001.
gnomAD v4.1: 11 of 1,613,702 alleles (0.00068%); highest among the groups gnomAD compares: Non-Finnish European, 0.00093%; no homozygotes.

Submissions (2):

Labcorp Genetics (formerly Invitae), Labcorp
Classification: Uncertain significance for Distal myopathy with posterior leg and anterior hand involvement; Myofibrillar myopathy 5; Hypertrophic cardiomyopathy 26. Last evaluated: 2025-01-29. Review status: criteria provided, single submitter. Criteria: Invitae Variant Classification Sherloc (09022015). Collection method: clinical testing. Allele origin: germline.
Comment: This sequence change replaces leucine, which is neutral and non-polar, with valine, which is neutral and non-polar, at codon 2032 of the FLNC protein (p.Leu2032Val). This variant is present in population databases (rs773543205, gnomAD 0.002%). This variant has not been reported in the literature in individuals affected with FLNC-related conditions. ClinVar contains an entry for this variant (Variation ID: 1054558). Invitae Evidence Modeling of protein sequence and biophysical properties (such as structural, functional, and spatial information, amino acid conservation, physicochemical variation, residue mobility, and thermodynamic stability) has been performed for this missense variant. However, the output from this modeling did not meet the statistical confidence thresholds required to predict the impact of this variant on FLNC protein function. In summary, the available evidence is currently insufficient to determine the role of this variant in disease. Therefore, it has been classified as a Variant of Uncertain Significance.

Ambry Genetics
Classification: Uncertain significance for Cardiovascular phenotype. Last evaluated: 2024-10-15. Review status: criteria provided, single submitter. Criteria: Ambry Variant Classification Scheme 2023. Collection method: clinical testing. Allele origin: germline.
Comment: The p.L2032V variant (also known as c.6094C>G), located in coding exon 37 of the FLNC gene, results from a C to G substitution at nucleotide position 6094. The leucine at codon 2032 is replaced by valine, an amino acid with highly similar properties. This amino acid position is conserved. In addition, this alteration is predicted to be tolerated by in silico analysis. Based on the available evidence, the clinical significance of this variant remains unclear.

NM_001458.5(FLNC):c.6094C>G (p.Leu2032Val)

Genes: FLNC (filamin C; plus strand), FLNC-AS1 (FLNC antisense RNA 1; minus strand). Cytogenetic location: 7q32.1.
Variant type: single nucleotide variant.
Coding change: c.6094C>G on transcript NM_001458.5 (MANE Select); coding-DNA position 6094, C replaced by G.
Protein change: p.Leu2032Val; replaces leucine 2032 with valine.
Molecular consequence: missense variant.
Genome position (GRCh38, 1-based): chr7:128,852,917, C>G. VCF-style: chr7-128852917-C-G. GRCh37 (hg19) VCF-style: chr7-128492971-C-G.
Other names: c.6094C>G (NM_001458.4); c.5995C>G, p.Leu1999Val (NM_001127487.2); short protein forms L1999V, L2032V.
Identifiers: ClinVar variation 1054558 (VCV001054558.12), dbSNP rs773543205, ClinGen allele CA4475885.